The following is an entry in ClinVar:

NM_004260.4(RECQL4):c.2479G>C (p.Glu827Gln)

Gene: RECQL4 (RecQ like helicase 4; minus strand). Cytogenetic location: 8q24.3.
Variant type: single nucleotide variant.
Coding change: c.2479G>C on transcript NM_004260.4 (MANE Select); coding-DNA position 2479, G replaced by C.
Protein change: p.Glu827Gln; replaces glutamic acid 827 with glutamine.
Molecular consequence: missense variant.
Genome position (GRCh38, 1-based): chr8:144,513,123, C>G on the plus strand (G>C on the coding strand, the complement: RECQL4 is on the minus strand). VCF-style: chr8-144513123-C-G. GRCh37 (hg19) VCF-style: chr8-145738506-C-G.
Other names: c.2185G>C, p.Glu729Gln (NM_001413017.1); c.2281G>C, p.Glu761Gln (NM_001413018.1); c.2479G>C, p.Glu827Gln (NM_001413019.1, NM_001413036.1); c.2383G>C, p.Glu795Gln (NM_001413020.1); c.1408G>C, p.Glu470Gln (NM_001413021.1, NM_001413022.1, NM_001413023.1 and 5 more transcripts); c.2350G>C, p.Glu784Gln (NM_001413025.1); c.1342G>C, p.Glu448Gln (NM_001413027.1, NM_001413030.1, NM_001413032.1 and 1 more transcripts); c.2128G>C, p.Glu710Gln (NM_001413029.1); and 6 more; short protein forms E426Q, E448Q, E460Q, E783Q, E404Q, E729Q, E761Q, E827Q.
Identifiers: ClinVar variation 1950738 (VCV001950738.5), dbSNP rs2538003704, ClinGen allele CA372677564.

ClinVar aggregate classification (germline): Uncertain significance (1 of 4 stars; one submission).

Conditions:
Baller-Gerold syndrome (BGS). Also called: CRANIOSYNOSTOSIS WITH RADIAL DEFECTS. Identifiers: Orphanet 1225, MedGen C0265308, MONDO:0009039, OMIM 218600.

gnomAD v4.1: 1 of 1,566,102 alleles (0.000064%); highest among the groups gnomAD compares: Non-Finnish European, 0.000087%; no homozygotes.

Submission:

Labcorp Genetics (formerly Invitae), Labcorp
Classification: Uncertain significance for Baller-Gerold syndrome. Last evaluated: 2022-05-04. Review status: criteria provided, single submitter. Criteria: Invitae Variant Classification Sherloc (09022015). Collection method: clinical testing. Allele origin: germline.
Comment: This sequence change replaces glutamic acid, which is acidic and polar, with glutamine, which is neutral and polar, at codon 827 of the RECQL4 protein (p.Glu827Gln). This variant is not present in population databases (gnomAD no frequency). This variant has not been reported in the literature in individuals affected with RECQL4-related conditions. Experimental studies and prediction algorithms are not available or were not evaluated, and the functional significance of this variant is currently unknown. In summary, the available evidence is currently insufficient to determine the role of this variant in disease. Therefore, it has been classified as a Variant of Uncertain Significance.